The following is an entry in ClinVar:

ClinVar aggregate classification (germline): Uncertain significance. Review status: criteria provided, multiple submitters, no conflicts (2 of 4 stars). 2 submissions from 2 submitters: Uncertain significance (2). Last evaluated 2025-09-23.

Conditions:
Inborn genetic diseases. Identifiers: MedGen C0950123, MeSH D030342.

Allele frequency attached by ClinVar (database versions not stated): gnomAD 0.00001; gnomAD exomes 0.00001; TOPMed 0.00001; ExAC 0.00004; ESP Exome Variant Server 0.00008.
gnomAD v4.1: 23 of 1,612,524 alleles (0.0014%); highest among the groups gnomAD compares: East Asian, 0.0045%; no homozygotes.

Submissions (2):

Labcorp Genetics (formerly Invitae), Labcorp
Classification: Uncertain significance. Last evaluated: 2025-09-23. Review status: criteria provided, single submitter. Criteria: Invitae Variant Classification Sherloc (09022015). Collection method: clinical testing. Allele origin: germline.
Comment: This sequence change replaces glycine, which is neutral and non-polar, with arginine, which is basic and polar, at codon 1196 of the HSPG2 protein (p.Gly1196Arg). This variant is present in population databases (rs371385355, gnomAD 0.006%). This variant has not been reported in the literature in individuals affected with HSPG2-related conditions. ClinVar contains an entry for this variant (Variation ID: 2244109). An algorithm developed to predict the effect of missense changes on protein structure and function (PolyPhen-2) suggests that this variant is likely to be disruptive. In summary, the available evidence is currently insufficient to determine the role of this variant in disease. Therefore, it has been classified as a Variant of Uncertain Significance.

Ambry Genetics
Classification: Uncertain significance for Inborn genetic diseases. Last evaluated: 2021-08-12. Review status: criteria provided, single submitter. Criteria: Ambry Variant Classification Scheme 2023. Collection method: clinical testing. Allele origin: germline.

NM_005529.7(HSPG2):c.3586G>A (p.Gly1196Arg)

Gene: HSPG2 (heparan sulfate proteoglycan 2; minus strand). Cytogenetic location: 1p36.12.
Variant type: single nucleotide variant.
Coding change: c.3586G>A on transcript NM_005529.7 (MANE Select); coding-DNA position 3586, G replaced by A.
Protein change: p.Gly1196Arg; replaces glycine 1196 with arginine.
Molecular consequence: missense variant.
Genome position (GRCh38, 1-based): chr1:21,874,476, C>T on the plus strand (G>A on the coding strand, the complement: HSPG2 is on the minus strand). VCF-style: chr1-21874476-C-T. GRCh37 (hg19) VCF-style: chr1-22200969-C-T.
Other names: c.3589G>A, p.Gly1197Arg (NM_001291860.2); short protein forms G1197R, G1196R.
Identifiers: ClinVar variation 2244109 (VCV002244109.3), dbSNP rs371385355, ClinGen allele CA672600.